The following is an entry in ClinVar:

ClinVar aggregate classification (germline): Pathogenic (1 of 4 stars; one submission).

Conditions:
Frontotemporal dementia and/or amyotrophic lateral sclerosis 1 (FTDALS1). Also called: C9orf72 Frontotemporal Dementia and/or Amyotrophic Lateral Sclerosis; Frontotemporal dementia with motor neuron disease 1. Identifiers: Orphanet 275872, MedGen C5779877, MONDO:0007105, OMIM 105550.
Paget disease of bone 2, early-onset (PDB2). Also called: Paget disease of bone 2. Identifiers: MedGen C4085251, MONDO:0011183, OMIM 602080.

Submission:

Labcorp Genetics (formerly Invitae), Labcorp
Classification: Pathogenic for Paget disease of bone 2, early-onset; Frontotemporal dementia and/or amyotrophic lateral sclerosis 1. Last evaluated: 2022-08-15. Review status: criteria provided, single submitter. Criteria: Invitae Variant Classification Sherloc (09022015). Collection method: clinical testing. Allele origin: germline.
Comment: This sequence change creates a premature translational stop signal (p.Glu274*) in the SQSTM1 gene. It is expected to result in an absent or disrupted protein product. Loss-of-function variants in SQSTM1 are known to be pathogenic (PMID: 27545679, 29959261). This variant is not present in population databases (gnomAD no frequency). This variant has not been reported in the literature in individuals affected with SQSTM1-related conditions. For these reasons, this variant has been classified as Pathogenic.

Literature cited by the submitters: PubMed 27545679; PubMed 29959261.

NM_003900.5(SQSTM1):c.820G>T (p.Glu274Ter)

Gene: SQSTM1 (sequestosome 1; plus strand). Cytogenetic location: 5q35.3.
Variant type: single nucleotide variant.
Coding change: c.820G>T on transcript NM_003900.5 (MANE Select); coding-DNA position 820, G replaced by T.
Protein change: p.Glu274Ter; replaces glutamic acid 274 with a stop codon.
Molecular consequence: nonsense.
Genome position (GRCh38, 1-based): chr5:179,833,097, G>T. VCF-style: chr5-179833097-G-T. GRCh37 (hg19) VCF-style: chr5-179260097-G-T.
Other names: c.568G>T, p.Glu190Ter (NM_001142298.2, NM_001142299.2); short protein forms E190*, E274*.
Identifiers: ClinVar variation 2083476 (VCV002083476.4), dbSNP rs2480244231, ClinGen allele CA362451178.